The following is an entry in ClinVar:

ClinVar aggregate classification (germline): Uncertain significance (1 of 4 stars; one submission).

gnomAD v4.1: 1 of 1,614,086 alleles (0.000062%); highest among the groups gnomAD compares: Non-Finnish European, 0.000085%; no homozygotes.

Submission:

Labcorp Genetics (formerly Invitae), Labcorp
Classification: Uncertain significance. Last evaluated: 2024-06-26. Review status: criteria provided, single submitter. Criteria: Invitae Variant Classification Sherloc (09022015). Collection method: clinical testing. Allele origin: germline.
Comment: This sequence change replaces glutamic acid, which is acidic and polar, with alanine, which is neutral and non-polar, at codon 1361 of the RP1 protein (p.Glu1361Ala). This variant is not present in population databases (gnomAD no frequency). This variant has not been reported in the literature in individuals affected with RP1-related conditions. An algorithm developed to predict the effect of missense changes on protein structure and function (PolyPhen-2) suggests that this variant is likely to be tolerated. In summary, the available evidence is currently insufficient to determine the role of this variant in disease. Therefore, it has been classified as a Variant of Uncertain Significance.

NM_006269.2(RP1):c.4082A>C (p.Glu1361Ala)

Gene: RP1 (RP1 axonemal microtubule associated; plus strand). Cytogenetic location: 8q12.1.
Variant type: single nucleotide variant.
Coding change: c.4082A>C on transcript NM_006269.2 (MANE Select); coding-DNA position 4082, A replaced by C.
Protein change: p.Glu1361Ala; replaces glutamic acid 1361 with alanine.
Molecular consequence: missense variant. On other transcripts: intron variant (1).
Genome position (GRCh38, 1-based): chr8:54,627,964, A>C. VCF-style: chr8-54627964-A-C. GRCh37 (hg19) VCF-style: chr8-55540524-A-C.
Other names: c.787+5676A>C (NM_001375654.1); short protein forms E1361A.
Identifiers: ClinVar variation 3657866 (VCV003657866.2).